The following is an entry in ClinVar:

ClinVar aggregate classification (germline): Uncertain significance. Review status: criteria provided, multiple submitters, no conflicts (2 of 4 stars). 2 submissions from 2 submitters: Uncertain significance (2). Last evaluated 2024-09-10.

Conditions:
Inborn genetic diseases. Identifiers: MedGen C0950123, MeSH D030342.
Peroxisome biogenesis disorder 3A (Zellweger). Also called: PEROXISOMAL BIOGENESIS DISORDER 3A (ZELLWEGER); Peroxisome biogenesis disorder 3A. Identifiers: Orphanet 912, MedGen C3553929, MONDO:0013927, OMIM 614859.

Allele frequency attached by ClinVar (database versions not stated): TOPMed below 0.00001.

Submissions (2):

Ambry Genetics
Classification: Uncertain significance for Inborn genetic diseases. Last evaluated: 2024-09-10. Review status: criteria provided, single submitter. Criteria: Ambry Variant Classification Scheme 2023. Collection method: clinical testing. Allele origin: germline.

Labcorp Genetics (formerly Invitae), Labcorp
Classification: Uncertain significance for Peroxisome biogenesis disorder 3A (Zellweger). Last evaluated: 2021-08-27. Review status: criteria provided, single submitter. Criteria: Invitae Variant Classification Sherloc (09022015). Collection method: clinical testing. Allele origin: germline.
Comment: This sequence change replaces alanine with threonine at codon 338 of the PEX12 protein (p.Ala338Thr). The alanine residue is weakly conserved and there is a small physicochemical difference between alanine and threonine. This variant is not present in population databases (ExAC no frequency). This variant has not been reported in the literature in individuals affected with PEX12-related conditions. Algorithms developed to predict the effect of missense changes on protein structure and function output the following: SIFT: "Tolerated"; PolyPhen-2: "Benign"; Align-GVGD: "Class C0". The threonine amino acid residue is found in multiple mammalian species, which suggests that this missense change does not adversely affect protein function. In summary, the available evidence is currently insufficient to determine the role of this variant in disease. Therefore, it has been classified as a Variant of Uncertain Significance.

NM_000286.3(PEX12):c.1012G>A (p.Ala338Thr)

Gene: PEX12 (peroxisomal biogenesis factor 12; minus strand). Cytogenetic location: 17q12.
Variant type: single nucleotide variant.
Coding change: c.1012G>A on transcript NM_000286.3 (MANE Select); coding-DNA position 1012, G replaced by A.
Protein change: p.Ala338Thr; replaces alanine 338 with threonine.
Molecular consequence: missense variant.
Genome position (GRCh38, 1-based): chr17:35,575,850, C>T on the plus strand (G>A on the coding strand, the complement: PEX12 is on the minus strand). VCF-style: chr17-35575850-C-T. GRCh37 (hg19) VCF-style: chr17-33902869-C-T.
Other names: c.1012G>A (NM_000286.2); short protein forms A338T.
Identifiers: ClinVar variation 1523425 (VCV001523425.6), dbSNP rs2072781374, ClinGen allele CA399136899.